The following is an entry in ClinVar:

NM_006516.4(SLC2A1):c.124G>T (p.Glu42Ter)

Gene: SLC2A1 (solute carrier family 2 member 1; minus strand). Cytogenetic location: 1p34.2.
Variant type: single nucleotide variant.
Coding change: c.124G>T on transcript NM_006516.4 (MANE Select); coding-DNA position 124, G replaced by T.
Protein change: p.Glu42Ter; replaces glutamic acid 42 with a stop codon.
Molecular consequence: nonsense.
Genome position (GRCh38, 1-based): chr1:42,931,197, C>A on the plus strand (G>T on the coding strand, the complement: SLC2A1 is on the minus strand). VCF-style: chr1-42931197-C-A. GRCh37 (hg19) VCF-style: chr1-43396868-C-A.
Other names: short protein forms E42*.
Identifiers: ClinVar variation 1457604 (VCV001457604.1), dbSNP rs2124450939, ClinGen allele CA339962638.
Genomic context (GRCh38, chr1:42,931,197, plus strand): 5'-TGAGCGTGGTGGGCAGGATGCTCTCCCCATAGCGGTGGACCCATGTCTGGTTGTAGAACT[C>A]CTCGATCACCTGCAGGGGGAGATGCAGCCTGGGTGAGCAAGCCAGGGGCCAGGACCCAGT-3'

ClinVar aggregate classification (germline): Pathogenic (1 of 4 stars; one submission).

Conditions:
GLUT1 deficiency syndrome 1, autosomal recessive. Identifiers: MedGen C3149117.

Submission:

Labcorp Genetics (formerly Invitae), Labcorp
Classification: Pathogenic for GLUT1 deficiency syndrome 1, autosomal recessive. Last evaluated: 2021-08-28. Review status: criteria provided, single submitter. Criteria: Invitae Variant Classification Sherloc (09022015). Collection method: clinical testing. Allele origin: germline.
Comment: This sequence change creates a premature translational stop signal (p.Glu42*) in the SLC2A1 gene. It is expected to result in an absent or disrupted protein product. Loss-of-function variants in SLC2A1 are known to be pathogenic (PMID: 21832227, 26193382). This variant is not present in population databases (ExAC no frequency). This premature translational stop signal has been observed in individual(s) with clinical features of GLUT1 deficiency syndrome (PMID: 20129935). For these reasons, this variant has been classified as Pathogenic.

Literature cited by the submitters: PubMed 21832227; PubMed 26193382; PubMed 20129935.